The following is an entry in ClinVar:

ClinVar aggregate classification (germline): Uncertain significance (1 of 4 stars; one submission).

gnomAD v4.1: 20 of 1,200,097 alleles (0.0017%); highest among the groups gnomAD compares: Non-Finnish European, 0.0022%; no homozygotes.

Submission:

Ambry Genetics
Classification: Uncertain significance. Last evaluated: 2026-03-10. Review status: criteria provided, single submitter. Criteria: Ambry Variant Classification Scheme 2023. Collection method: clinical testing. Allele origin: germline.
Comment: The c.1084T>A (p.S362T) alteration is located in exon 8 (coding exon 8) of the KIAA1210 gene. This alteration results from a T to A substitution at nucleotide position 1084, causing the serine (S) at amino acid position 362 to be replaced by a threonine (T). Based on data from gnomAD, the A allele has an overall frequency of 0.003% (5/189894) total alleles studied. The highest observed frequency was 0.006% (5/85176) of European (non-Finnish) alleles. Based on insufficient or conflicting evidence, the clinical significance of this alteration remains unclear.

NM_001394962.1(KIAA1210):c.664T>A (p.Ser222Thr)

Gene: KIAA1210 (KIAA1210; minus strand). Cytogenetic location: Xq24.
Variant type: single nucleotide variant.
Coding change: c.664T>A on transcript NM_001394962.1 (MANE Select); coding-DNA position 664, T replaced by A.
Protein change: p.Ser222Thr; replaces serine 222 with threonine.
Molecular consequence: missense variant.
Genome position (GRCh38, 1-based): chrX:119,096,676, A>T on the plus strand (T>A on the coding strand, the complement: KIAA1210 is on the minus strand). VCF-style: chrX-119096676-A-T. GRCh37 (hg19) VCF-style: chrX-118230639-A-T.
Other names: c.1084T>A, p.Ser362Thr (NM_020721.1); short protein forms S362T, S222T.
Identifiers: ClinVar variation 4832845 (VCV004832845.1).
Genomic context (GRCh38, chrX:119,096,676, plus strand): 5'-TACTGGTAGAGGCAAGTGTGGCAAATGCAGTCAAGGACTGTGAGCAATCAGGTCCAGATG[A>T]TAACTCAGAGAAGCTCTGGGGAAGGTGGGAGAAAATAGACGAGTCAACCCGTATGCTGTT-3'
Protein context (NP_001381891.1, residues 212-232): LTATQSFSEL[Ser222Thr]SGPDCSQSLT